The following is an entry in ClinVar:

ClinVar aggregate classification (germline): Benign. Review status: criteria provided, single submitter (1 of 4 stars). 2 submissions from 2 submitters: Benign (1). 1 of the submissions does not count toward it. Last evaluated 2018-09-19.

Conditions:
PDE11A-related disorder. Also called: PDE11A-related condition.

Allele frequency attached by ClinVar (database versions not stated): gnomAD exomes 0.00006 and 0.00015; ExAC 0.00017; 1000 Genomes Project 30x 0.00047; gnomAD 0.00056 and 0.00058; TOPMed 0.00059; 1000 Genomes Project 0.00060; ESP Exome Variant Server 0.00062.
gnomAD v4.1: 166 of 1,614,086 alleles (0.01%); highest among the groups gnomAD compares: African/African-American, 0.18%; no homozygotes.

Submissions (2):

Labcorp Genetics (formerly Invitae), Labcorp
Classification: Benign. Last evaluated: 2018-09-19. Review status: criteria provided, single submitter. Criteria: Invitae Variant Classification Sherloc (09022015). Collection method: clinical testing. Allele origin: germline.

PreventionGenetics, part of Exact Sciences
Classification: Likely benign for PDE11A-related condition. Last evaluated: 2019-02-16. Review status: no assertion criteria provided. Collection method: clinical testing. Allele origin: germline. Not counted in ClinVar's aggregate classification.
Comment: This variant is classified as likely benign based on ACMG/AMP sequence variant interpretation guidelines (Richards et al. 2015 PMID: 25741868, with internal and published modifications).

NM_016953.4(PDE11A):c.1485G>A (p.Pro495=)

Gene: PDE11A (phosphodiesterase 11A; minus strand). Cytogenetic location: 2q31.2.
Variant type: single nucleotide variant.
Coding change: c.1485G>A on transcript NM_016953.4 (MANE Select); coding-DNA position 1485, G replaced by A.
Protein change: p.Pro495=; no amino-acid change (proline 495 retained).
Molecular consequence: synonymous variant.
Genome position (GRCh38, 1-based): chr2:177,840,266, C>T on the plus strand (G>A on the coding strand, the complement: PDE11A is on the minus strand). VCF-style: chr2-177840266-C-T. GRCh37 (hg19) VCF-style: chr2-178704993-C-T.
Other names: c.153G>A, p.Pro51= (NM_001077196.2); c.735G>A, p.Pro245= (NM_001077197.2); c.411G>A, p.Pro137= (NM_001077358.2).
Identifiers: ClinVar variation 732926 (VCV000732926.5), dbSNP rs140538000, ClinGen allele CA1981955.